The following is an entry in ClinVar:

NM_206926.2(SELENON):c.*771G>A

Gene: SELENON (selenoprotein N; plus strand). Cytogenetic location: 1p36.11.
Variant type: single nucleotide variant.
Coding change: c.*771G>A on transcript NM_206926.2 (MANE Select); 771 bases downstream of the stop codon, G replaced by A.
Molecular consequence: 3 prime UTR variant.
Genome position (GRCh38, 1-based): chr1:25,816,489, G>A. VCF-style: chr1-25816489-G-A. GRCh37 (hg19) VCF-style: chr1-26142980-G-A.
Other names: c.*771G>A (NM_020451.3).
Identifiers: ClinVar variation 297042 (VCV000297042.5), dbSNP rs80311079, ClinGen allele CA10610894.

ClinVar aggregate classification (germline): Likely benign (1 of 4 stars; one submission).

Conditions:
SEPN1-related disorder. Also called: SEPN1-Related Disorders. Identifiers: MedGen CN239420.

Allele frequency attached by ClinVar (database versions not stated): gnomAD 0.01722 and 0.01848; 1000 Genomes Project 0.01877; TOPMed 0.01975; 1000 Genomes Project 30x 0.01968.

Submission:

Illumina Laboratory Services, Illumina
Classification: Likely benign for SEPN1-Related Disorders. Last evaluated: 2017-04-27. Review status: criteria provided, single submitter. Criteria: ICSL Variant Classification Criteria 13 December 2019. Collection method: clinical testing. Allele origin: germline.
Comment: This variant was observed as part of a predisposition screen in an ostensibly healthy population. A literature search was performed for the gene, cDNA change, and amino acid change (where applicable). No publications were found based on this search. Allele frequency data from public databases allowed determination this variant is unlikely to cause disease. Therefore, this variant is classified as likely benign.